The following is an entry in ClinVar:

ClinVar aggregate classification (germline): Uncertain significance. Review status: criteria provided, multiple submitters, no conflicts (2 of 4 stars). 2 submissions from 2 submitters: Uncertain significance (2). Last evaluated 2025-08-11.

Conditions:
Inborn genetic diseases. Identifiers: MedGen C0950123, MeSH D030342.

Submissions (2):

Ambry Genetics
Classification: Uncertain significance for Inborn genetic diseases. Last evaluated: 2025-08-11. Review status: criteria provided, single submitter. Criteria: Ambry Variant Classification Scheme 2023. Collection method: clinical testing. Allele origin: germline.

Labcorp Genetics (formerly Invitae), Labcorp
Classification: Uncertain significance. Last evaluated: 2022-02-24. Review status: criteria provided, single submitter. Criteria: Invitae Variant Classification Sherloc (09022015). Collection method: clinical testing. Allele origin: germline.
Comment: This sequence change replaces proline, which is neutral and non-polar, with alanine, which is neutral and non-polar, at codon 30 of the CPAMD8 protein (p.Pro30Ala). This variant is not present in population databases (gnomAD no frequency). This variant has not been reported in the literature in individuals affected with CPAMD8-related conditions. Algorithms developed to predict the effect of missense changes on protein structure and function are either unavailable or do not agree on the potential impact of this missense change (SIFT: "Deleterious"; PolyPhen-2: "Benign"; Align-GVGD: "Class C0"). In summary, the available evidence is currently insufficient to determine the role of this variant in disease. Therefore, it has been classified as a Variant of Uncertain Significance.

NM_015692.5(CPAMD8):c.-54C>G

Gene: CPAMD8 (C3 and PZP like alpha-2-macroglobulin domain containing 8; minus strand). Cytogenetic location: 19p13.11.
Variant type: single nucleotide variant.
Coding change: c.-54C>G on transcript NM_015692.5 (MANE Select); 54 bases upstream of the start codon, C replaced by G.
Molecular consequence: 5 prime UTR variant. On other transcripts: non-coding transcript variant (1).
Genome position (GRCh38, 1-based): chr19:17,026,696, G>C on the plus strand (C>G on the coding strand, the complement: CPAMD8 is on the minus strand). VCF-style: chr19-17026696-G-C. GRCh37 (hg19) VCF-style: chr19-17137506-G-C.
Other names: c.88C>G (NM_015692.2).
Identifiers: ClinVar variation 2164563 (VCV002164563.5), dbSNP rs928016376, ClinGen allele CA306058754.